The following is an entry in ClinVar:

ClinVar aggregate classification (germline): Uncertain significance (1 of 4 stars; one submission).

Allele frequency attached by ClinVar (database versions not stated): gnomAD exomes below 0.00001; TOPMed 0.00001; ESP Exome Variant Server 0.00008.
gnomAD v4.1: 2 of 1,614,144 alleles (0.00012%); highest among the groups gnomAD compares: African/African-American, 0.0013%; no homozygotes.

Submission:

Labcorp Genetics (formerly Invitae), Labcorp
Classification: Uncertain significance. Last evaluated: 2022-12-05. Review status: criteria provided, single submitter. Criteria: Invitae Variant Classification Sherloc (09022015). Collection method: clinical testing. Allele origin: germline.
Comment: This variant is present in population databases (rs369024354, gnomAD 0.007%). In summary, the available evidence is currently insufficient to determine the role of this variant in disease. Therefore, it has been classified as a Variant of Uncertain Significance. Algorithms developed to predict the effect of missense changes on protein structure and function are either unavailable or do not agree on the potential impact of this missense change (SIFT: "Deleterious"; PolyPhen-2: "Probably Damaging"; Align-GVGD: "Class C15"). This variant has not been reported in the literature in individuals affected with KIDINS220-related conditions. This sequence change replaces glycine, which is neutral and non-polar, with arginine, which is basic and polar, at codon 1627 of the KIDINS220 protein (p.Gly1627Arg).

NM_020738.4(KIDINS220):c.4879G>A (p.Gly1627Arg)

Gene: KIDINS220 (kinase D interacting substrate 220; minus strand). Cytogenetic location: 2p25.1.
Variant type: single nucleotide variant.
Coding change: c.4879G>A on transcript NM_020738.4 (MANE Select); coding-DNA position 4879, G replaced by A.
Protein change: p.Gly1627Arg; replaces glycine 1627 with arginine.
Molecular consequence: missense variant. On other transcripts: intron variant (6).
Genome position (GRCh38, 1-based): chr2:8,731,157, C>T on the plus strand (G>A on the coding strand, the complement: KIDINS220 is on the minus strand). VCF-style: chr2-8731157-C-T. GRCh37 (hg19) VCF-style: chr2-8871287-C-T.
Other names: c.4882G>A, p.Gly1628Arg (NM_001348729.2); c.4825G>A, p.Gly1609Arg (NM_001348731.2); c.4822G>A, p.Gly1608Arg (NM_001348732.2); c.4711G>A, p.Gly1571Arg (NM_001348734.2); c.4708G>A, p.Gly1570Arg (NM_001348735.2); c.4582G>A, p.Gly1528Arg (NM_001348736.2); c.3882+2287G>A (NM_001348741.2, NM_001348742.2, NM_001348743.2); c.3996+2287G>A (NM_001348738.2); and 1 more; short protein forms G1608R, G1627R, G1628R, G1571R, G1609R, G1528R, G1570R.
Identifiers: ClinVar variation 3002850 (VCV003002850.3), dbSNP rs369024354, ClinGen allele CA42327700.